The following is an entry in ClinVar:

NM_001868.4(CPA1):c.448A>C (p.Asn150His)

Gene: CPA1 (carboxypeptidase A1; plus strand). Cytogenetic location: 7q32.2.
Variant type: single nucleotide variant.
Coding change: c.448A>C on transcript NM_001868.4 (MANE Select); coding-DNA position 448, A replaced by C.
Protein change: p.Asn150His; replaces asparagine 150 with histidine.
Molecular consequence: missense variant.
Genome position (GRCh38, 1-based): chr7:130,382,174, A>C. VCF-style: chr7-130382174-A-C. GRCh37 (hg19) VCF-style: chr7-130022015-A-C.
Other names: short protein forms N150H.
Identifiers: ClinVar variation 2448266 (VCV002448266.2), dbSNP rs2536006392, ClinGen allele CA369281112.

ClinVar aggregate classification (germline): Uncertain significance (1 of 4 stars; one submission).

Conditions:
Hereditary pancreatitis (PCTT). Also called: Hereditary chronic pancreatitis; PRSS1-Related Hereditary Pancreatitis. Identifiers: Orphanet 676, MedGen C0238339, MONDO:0008185, OMIM 167800.

Submission:

Ambry Genetics
Classification: Uncertain significance for Hereditary pancreatitis. Last evaluated: 2023-01-01. Review status: criteria provided, single submitter. Criteria: Ambry Variant Classification Scheme 2023. Collection method: clinical testing. Allele origin: germline.
Comment: The p.N150H variant (also known as c.448A>C), located in coding exon 4 of the CPA1 gene, results from an A to C substitution at nucleotide position 448. The asparagine at codon 150 is replaced by histidine, an amino acid with similar properties. This amino acid position is conserved. In addition, this alteration is predicted to be tolerated by in silico analysis. Since supporting evidence is limited at this time, the clinical significance of this alteration remains unclear.